The following is an entry in ClinVar:

NM_000179.3(MSH6):c.3760G>T (p.Glu1254Ter)

Gene: MSH6 (mutS homolog 6; plus strand). Cytogenetic location: 2p16.3.
Variant type: single nucleotide variant.
Coding change: c.3760G>T on transcript NM_000179.3 (MANE Select); coding-DNA position 3760, G replaced by T.
Protein change: p.Glu1254Ter; replaces glutamic acid 1254 with a stop codon.
Molecular consequence: nonsense. On other transcripts: non-coding transcript variant (5).
Genome position (GRCh38, 1-based): chr2:47,806,317, G>T. VCF-style: chr2-47806317-G-T. GRCh37 (hg19) VCF-style: chr2-48033456-G-T.
Other names: c.3370G>T, p.Glu1124Ter (NM_001281492.2); c.2854G>T, p.Glu952Ter (NM_001281493.2, NM_001281494.2, NM_001406811.1 and 6 more transcripts); c.3856G>T, p.Glu1286Ter (NM_001406795.1, NM_001406802.1); c.3760G>T, p.Glu1254Ter (NM_001406796.1, NM_001406800.1, NM_001406808.1 and 1 more transcripts); c.3463G>T, p.Glu1155Ter (NM_001406797.1, NM_001406801.1, NM_001406805.1 and 10 more transcripts); c.3586G>T, p.Glu1196Ter (NM_001406798.1); c.3235G>T, p.Glu1079Ter (NM_001406799.1, NM_001406806.1, NM_001406807.1); c.2896G>T, p.Glu966Ter (NM_001406803.1); and 7 more; short protein forms E1079*, E1124*, E1155*, E1196*, E1198*, E1228*, E1254*, E1256*.
Identifiers: ClinVar variation 2673624 (VCV002673624.2), dbSNP rs1558392392, ClinGen allele CA346761101.
Genomic context (GRCh38, chr2:47,806,317, plus strand): 5'-GAACTTGCTGAGACTATAAAATGTCGTACATTATTTTCAACTCACTACCATTCATTAGTA[G>T]AAGATTATTCTCAAAATGTTGCTGTGCGCCTAGGACATATGGTATGTGCAAATTGTTTTT-3'

ClinVar aggregate classification (germline): Pathogenic. Review status: criteria provided, multiple submitters, no conflicts (2 of 4 stars). 2 submissions from 2 submitters: Pathogenic (2). Last evaluated 2024-02-02.

Conditions:
Lynch syndrome 5 (LYNCH5). Also called: Colorectal cancer, hereditary nonpolyposis, type 5; Hereditary non-polyposis colorectal cancer, type 5. Identifiers: Orphanet 144, MedGen C1833477, MONDO:0013710, OMIM 614350. Disease mechanism: loss of function.

Submissions (2):

Clinical Genetics Laboratory, Skane University Hospital Lund
Classification: Pathogenic. Last evaluated: 2024-02-02. Review status: criteria provided, single submitter. Criteria: ACMG Guidelines, 2015. Collection method: clinical testing. Allele origin: germline. Affected: yes.

Myriad Genetics, Inc.
Classification: Pathogenic for Lynch syndrome 5. Last evaluated: 2023-08-25. Review status: criteria provided, single submitter. Criteria: Myriad Autosomal Dominant, Autosomal Recessive and X-Linked Classification Criteria (2023). Collection method: clinical testing. Allele origin: unknown.
Comment: This variant is considered pathogenic. This variant creates a termination codon and is predicted to result in premature protein truncation.